The following is an entry in ClinVar:

ClinVar aggregate classification (germline): Uncertain significance (1 of 4 stars; one submission).

Conditions:
Cardiovascular phenotype. Identifiers: MedGen CN230736.

Submission:

Ambry Genetics
Classification: Uncertain significance for Cardiovascular phenotype. Last evaluated: 2023-06-05. Review status: criteria provided, single submitter. Criteria: Ambry Variant Classification Scheme 2023. Collection method: clinical testing. Allele origin: germline.
Comment: The p.E453A variant (also known as c.1358A>C), located in coding exon 5 of the PKP2 gene, results from an A to C substitution at nucleotide position 1358. The glutamic acid at codon 453 is replaced by alanine, an amino acid with dissimilar properties. This amino acid position is conserved. In addition, the in silico prediction for this alteration is inconclusive. Since supporting evidence is limited at this time, the clinical significance of this alteration remains unclear.

NM_001005242.3(PKP2):c.1358A>C (p.Glu453Ala)

Gene: PKP2 (plakophilin 2; minus strand). Cytogenetic location: 12p11.21.
Variant type: single nucleotide variant.
Coding change: c.1358A>C on transcript NM_001005242.3 (MANE Select); coding-DNA position 1358, A replaced by C.
Protein change: p.Glu453Ala; replaces glutamic acid 453 with alanine.
Molecular consequence: missense variant.
Genome position (GRCh38, 1-based): chr12:32,850,786, T>G on the plus strand (A>C on the coding strand, the complement: PKP2 is on the minus strand). VCF-style: chr12-32850786-T-G. GRCh37 (hg19) VCF-style: chr12-33003720-T-G.
Other names: c.1358A>C, p.Glu453Ala (NM_001407155.1, NM_001407156.1, NM_001407157.1 and 2 more transcripts); c.1031A>C, p.Glu344Ala (NM_001407158.1, NM_001407159.1, NM_001407160.1 and 1 more transcripts); short protein forms E344A, E453A.
Identifiers: ClinVar variation 2564441 (VCV002564441.2), dbSNP rs2541285862, ClinGen allele CA384369661.